The following is an entry in ClinVar:

ClinVar aggregate classification (germline): Likely pathogenic (1 of 4 stars; one submission).

Conditions:
Distal arthrogryposis type 2B1 (DA2B1). Also called: Arthrogryposis multiplex congenita distal type II with craniofacial abnormalities. Identifiers: Orphanet 1147, MedGen C5193014, MONDO:0020820, OMIM 601680.

Submission:

Rady Children's Institute for Genomic Medicine, Rady Children's Hospital San Diego
Classification: Likely pathogenic for ARTHROGRYPOSIS, DISTAL, TYPE 2B. Last evaluated: 2019-03-01. Review status: criteria provided, single submitter. Criteria: ACMG Guidelines, 2015. Collection method: clinical testing. Allele origin: germline. Affected: yes. Observed: 1 variant allele.
Comment: This variant has not been previously reported or functionally characterized in the literature to our knowledge. However, a different missense variant at the same position has been reported in three related individuals with distal arthrogryposis (PMID: 30285720). It is absent from the ExAC and gnomAD population databases and thus is presumed to be rare. In silico tools used to predict the effect of this variant on protein function yield discordant results. Based on the available evidence, the c.307C>A (p.Gln103Lys) variant is classified as likely pathogenic.

NM_003289.4(TPM2):c.307C>A (p.Gln103Lys)

Gene: TPM2 (tropomyosin 2; minus strand). Cytogenetic location: 9p13.3.
Variant type: single nucleotide variant.
Coding change: c.307C>A on transcript NM_003289.4 (MANE Select); coding-DNA position 307, C replaced by A.
Protein change: p.Gln103Lys; replaces glutamine 103 with lysine.
Molecular consequence: missense variant.
Genome position (GRCh38, 1-based): chr9:35,685,714, G>T on the plus strand (C>A on the coding strand, the complement: TPM2 is on the minus strand). VCF-style: chr9-35685714-G-T. GRCh37 (hg19) VCF-style: chr9-35685711-G-T.
Other names: c.307C>A, p.Gln103Lys (NM_001301226.2, NM_001301227.2, NM_213674.1); short protein forms Q103K.
Identifiers: ClinVar variation 692080 (VCV000692080.1), dbSNP rs1587959107, ClinGen allele CA373368305.